The following is an entry in ClinVar:

ClinVar aggregate classification (germline): Likely benign. Review status: criteria provided, multiple submitters, no conflicts (2 of 4 stars). 4 submissions from 4 submitters: Likely benign (4). Last evaluated 2025-12-26.

Conditions:
NIK deficiency. Also called: Primary immunodeficiency with multifaceted aberrant lymphoid immunity. Identifiers: Orphanet 447731, MedGen C5680065, MONDO:0018642.

Allele frequency attached by ClinVar (database versions not stated): 1000 Genomes Project 30x 0.00047; 1000 Genomes Project 0.00060; ESP Exome Variant Server 0.00114; gnomAD 0.00117 and 0.00127; TOPMed 0.00126.
gnomAD v4.1: 321 of 1,610,040 alleles (0.02%); highest among the groups gnomAD compares: African/African-American, 0.36%; 2 homozygotes.

Submissions (4):

Labcorp Genetics (formerly Invitae), Labcorp
Classification: Likely benign for NIK deficiency. Last evaluated: 2025-12-26. Review status: criteria provided, single submitter. Criteria: Invitae Variant Classification Sherloc (09022015). Collection method: clinical testing. Allele origin: germline.

CeGaT Center for Human Genetics Tuebingen
Classification: Likely benign. Last evaluated: 2025-04-01. Review status: criteria provided, single submitter. Criteria: CeGaT Center For Human Genetics Tuebingen Variant Classification Criteria Version 2. Collection method: clinical testing. Allele origin: germline. Affected: yes. Observed: 2 variant alleles.
Comment: MAP3K14: BP4

Blueprint Genetics
Classification: Likely benign. Last evaluated: 2024-10-22. Review status: criteria provided, single submitter. Criteria: ACMG Guidelines, 2015. Collection method: clinical testing. Allele origin: germline.

Breakthrough Genomics
Classification: Likely benign. Review status: criteria provided, single submitter. Criteria: ACMG Guidelines, 2015. Collection method: not provided. Allele origin: germline. Inheritance: Unknown mechanism. Affected: yes.

NM_003954.5(MAP3K14):c.880A>C (p.Lys294Gln)

Gene: MAP3K14 (mitogen-activated protein kinase kinase kinase 14; minus strand). Cytogenetic location: 17q21.31.
Variant type: single nucleotide variant.
Coding change: c.880A>C on transcript NM_003954.5 (MANE Select); coding-DNA position 880, A replaced by C.
Protein change: p.Lys294Gln; replaces lysine 294 with glutamine.
Molecular consequence: missense variant.
Genome position (GRCh38, 1-based): chr17:45,286,703, T>G on the plus strand (A>C on the coding strand, the complement: MAP3K14 is on the minus strand). VCF-style: chr17-45286703-T-G. GRCh37 (hg19) VCF-style: chr17-43364070-T-G.
Other names: c.880A>C, p.Lys294Gln (LRG_1222t1); short protein forms K294Q.
Identifiers: ClinVar variation 544326 (VCV000544326.37), dbSNP rs113278485, ClinGen allele CA8614258.